The following is an entry in ClinVar:

NM_001024613.4(FEZF1):c.787G>A (p.Glu263Lys)

Gene: FEZF1 (FEZ family zinc finger 1; minus strand). Cytogenetic location: 7q31.32.
Variant type: single nucleotide variant.
Coding change: c.787G>A on transcript NM_001024613.4 (MANE Select); coding-DNA position 787, G replaced by A.
Protein change: p.Glu263Lys; replaces glutamic acid 263 with lysine.
Molecular consequence: missense variant.
Genome position (GRCh38, 1-based): chr7:122,303,651, C>T on the plus strand (G>A on the coding strand, the complement: FEZF1 is on the minus strand). VCF-style: chr7-122303651-C-T. GRCh37 (hg19) VCF-style: chr7-121943705-C-T.
Other names: c.637G>A, p.Glu213Lys (NM_001160264.3); short protein forms E213K, E263K.
Identifiers: ClinVar variation 2057188 (VCV002057188.4), dbSNP rs2485179005, ClinGen allele CA369031515.

ClinVar aggregate classification (germline): Uncertain significance (1 of 4 stars; one submission).

Submission:

Labcorp Genetics (formerly Invitae), Labcorp
Classification: Uncertain significance. Last evaluated: 2022-09-06. Review status: criteria provided, single submitter. Criteria: Invitae Variant Classification Sherloc (09022015). Collection method: clinical testing. Allele origin: germline.
Comment: In summary, the available evidence is currently insufficient to determine the role of this variant in disease. Therefore, it has been classified as a Variant of Uncertain Significance. Algorithms developed to predict the effect of missense changes on protein structure and function (SIFT, PolyPhen-2, Align-GVGD) all suggest that this variant is likely to be tolerated. This variant has not been reported in the literature in individuals affected with FEZF1-related conditions. This variant is not present in population databases (gnomAD no frequency). This sequence change replaces glutamic acid, which is acidic and polar, with lysine, which is basic and polar, at codon 263 of the FEZF1 protein (p.Glu263Lys).